The following is an entry in ClinVar:

NM_199420.4(POLQ):c.7328T>C (p.Ile2443Thr)

Gene: POLQ (DNA polymerase theta; minus strand). Cytogenetic location: 3q13.33.
Variant type: single nucleotide variant.
Coding change: c.7328T>C on transcript NM_199420.4 (MANE Select); coding-DNA position 7328, T replaced by C.
Protein change: p.Ile2443Thr; replaces isoleucine 2443 with threonine.
Molecular consequence: missense variant.
Genome position (GRCh38, 1-based): chr3:121,440,053, A>G on the plus strand (T>C on the coding strand, the complement: POLQ is on the minus strand). VCF-style: chr3-121440053-A-G. GRCh37 (hg19) VCF-style: chr3-121158900-A-G.
Other names: short protein forms I2443T.
Identifiers: ClinVar variation 3308599 (VCV003308599.1).

ClinVar aggregate classification (germline): Uncertain significance (1 of 4 stars; one submission).

Submission:

Ambry Genetics
Classification: Uncertain significance. Last evaluated: 2024-03-21. Review status: criteria provided, single submitter. Criteria: Ambry Variant Classification Scheme 2023. Collection method: clinical testing. Allele origin: germline.
Comment: The p.I2443T variant (also known as c.7328T>C), located in coding exon 27 of the POLQ gene, results from a T to C substitution at nucleotide position 7328. The isoleucine at codon 2443 is replaced by threonine, an amino acid with similar properties. This amino acid position is conserved. In addition, this alteration is predicted to be deleterious by in silico analysis. Based on the available evidence, the clinical significance of this alteration remains unclear.